The following is an entry in ClinVar:

ClinVar aggregate classification (germline): Uncertain significance (1 of 4 stars; one submission).

Conditions:
Developmental and epileptic encephalopathy, 54. Also called: Epileptic encephalopathy, early infantile, 54; HNRNPU-Related Neurodevelopmental Disorder. Identifiers: MedGen C4479319, MONDO:0033363, OMIM 617391.

Allele frequency attached by ClinVar (database versions not stated): gnomAD exomes below 0.00001.
gnomAD v4.1: 1 of 1,596,806 alleles (0.000063%); highest among the groups gnomAD compares: Non-Finnish European, 0.000085%; no homozygotes.

Submission:

Labcorp Genetics (formerly Invitae), Labcorp
Classification: Uncertain significance for Developmental and epileptic encephalopathy, 54. Last evaluated: 2022-08-22. Review status: criteria provided, single submitter. Criteria: Invitae Variant Classification Sherloc (09022015). Collection method: clinical testing. Allele origin: germline.
Comment: Algorithms developed to predict the effect of missense changes on protein structure and function are either unavailable or do not agree on the potential impact of this missense change (SIFT: "Tolerated"; PolyPhen-2: "Possibly Damaging"; Align-GVGD: "Class C0"). This sequence change replaces glycine, which is neutral and non-polar, with arginine, which is basic and polar, at codon 71 of the HNRNPU protein (p.Gly71Arg). This variant is not present in population databases (gnomAD no frequency). This variant has not been reported in the literature in individuals affected with HNRNPU-related conditions. ClinVar contains an entry for this variant (Variation ID: 1000811). In summary, the available evidence is currently insufficient to determine the role of this variant in disease. Therefore, it has been classified as a Variant of Uncertain Significance.

NM_031844.3(HNRNPU):c.211G>C (p.Gly71Arg)

Gene: HNRNPU (heterogeneous nuclear ribonucleoprotein U; minus strand). Cytogenetic location: 1q44.
Variant type: single nucleotide variant.
Coding change: c.211G>C on transcript NM_031844.3 (MANE Select); coding-DNA position 211, G replaced by C.
Protein change: p.Gly71Arg; replaces glycine 71 with arginine.
Molecular consequence: missense variant.
Genome position (GRCh38, 1-based): chr1:244,864,097, C>G on the plus strand (G>C on the coding strand, the complement: HNRNPU is on the minus strand). VCF-style: chr1-244864097-C-G. GRCh37 (hg19) VCF-style: chr1-245027399-C-G.
Other names: c.211G>C, p.Gly71Arg (NM_004501.3); short protein forms G71R.
Identifiers: ClinVar variation 1000811 (VCV001000811.7), dbSNP rs1680934795, ClinGen allele CA345497632.